The following is an entry in ClinVar:

NM_004304.5(ALK):c.3757_3766del (p.Arg1253fs)

Gene: ALK (ALK receptor tyrosine kinase; minus strand). Cytogenetic location: 2p23.2.
Variant type: Deletion.
Coding change: c.3757_3766del on transcript NM_004304.5 (MANE Select); coding-DNA positions 3757 to 3766, 10 bases deleted (AGAAACTGCC; older notation c.3757_3766delAGAAACTGCC).
Protein change: p.Arg1253fs; shifts the reading frame from arginine 1253.
Molecular consequence: frameshift variant.
Genome position (GRCh38, 1-based): chr2:29,209,856-29,209,865, GGCAGTTTCT deleted on the plus strand (AGAAACTGCC on the coding strand, the reverse complement: ALK is on the minus strand); deleting any 10 consecutive bases within chr2:29,209,856-29,209,870 gives the same sequence; the c. name uses the placement nearest the transcript's 3' end. VCF-style (leftmost placement, unchanged base first): chr2-29209855-AGGCAGTTTCT-A. GRCh37 (hg19) VCF-style: chr2-29432721-AGGCAGTTTCT-A.
Other names: c.553_562del, p.Arg185fs (NM_001353765.2); short protein forms R1253fs, R185fs.
Identifiers: ClinVar variation 999186 (VCV000999186.7), dbSNP rs1669417270, ClinGen allele CA1241083963.

ClinVar aggregate classification (germline): Uncertain significance (1 of 4 stars; one submission).

Conditions:
Neuroblastoma, susceptibility to, 3. Also called: ALK-Related Neuroblastic Tumor Susceptibility. Identifiers: Orphanet 635, MedGen C2751681, MONDO:0013083, OMIM 613014.

Submission:

Labcorp Genetics (formerly Invitae), Labcorp
Classification: Uncertain significance for Neuroblastoma, susceptibility to, 3. Last evaluated: 2020-02-17. Review status: criteria provided, single submitter. Criteria: Invitae Variant Classification Sherloc (09022015). Collection method: clinical testing. Allele origin: germline.
Comment: In summary, the available evidence is currently insufficient to determine the role of this variant in disease. Therefore, it has been classified as a Variant of Uncertain Significance. This sequence change creates a premature translational stop signal (p.Arg1253Serfs*2) in the ALK gene. It is expected to result in an absent or disrupted protein product. This variant is not present in population databases (ExAC no frequency). This variant has not been reported in the literature in individuals with ALK-related conditions. The current clinical and genetic evidence is not sufficient to establish whether loss-of-function variants in ALK cause disease.